The following is an entry in ClinVar:

NM_170606.3(KMT2C):c.5434C>T (p.Pro1812Ser)

Gene: KMT2C (lysine methyltransferase 2C; minus strand). Cytogenetic location: 7q36.1.
Variant type: single nucleotide variant.
Coding change: c.5434C>T on transcript NM_170606.3 (MANE Select); coding-DNA position 5434, C replaced by T.
Protein change: p.Pro1812Ser; replaces proline 1812 with serine.
Molecular consequence: missense variant.
Genome position (GRCh38, 1-based): chr7:152,182,426, G>A on the plus strand (C>T on the coding strand, the complement: KMT2C is on the minus strand). VCF-style: chr7-152182426-G-A. GRCh37 (hg19) VCF-style: chr7-151879511-G-A.
Other names: short protein forms P1812S.
Identifiers: ClinVar variation 2430382 (VCV002430382.1), dbSNP rs2129120981, ClinGen allele CA370098886.

ClinVar aggregate classification (germline): Uncertain significance (1 of 4 stars; one submission).

Submission:

GeneDx
Classification: Uncertain significance. Last evaluated: 2022-08-25. Review status: criteria provided, single submitter. Criteria: GeneDx Variant Classification Process June 2021. Collection method: clinical testing. Allele origin: germline. Affected: yes.
Comment: Not observed at significant frequency in large population cohorts (gnomAD); In silico analysis supports that this missense variant has a deleterious effect on protein structure/function; Has not been previously published as pathogenic or benign to our knowledge